The following is an entry in ClinVar:

NM_005055.5(RAPSN):c.737C>T (p.Ala246Val)

Gene: RAPSN (receptor associated protein of the synapse; minus strand). Cytogenetic location: 11p11.2.
Variant type: single nucleotide variant.
Coding change: c.737C>T on transcript NM_005055.5 (MANE Select); coding-DNA position 737, C replaced by T.
Protein change: p.Ala246Val; replaces alanine 246 with valine.
Molecular consequence: missense variant.
Genome position (GRCh38, 1-based): chr11:47,441,875, G>A on the plus strand (C>T on the coding strand, the complement: RAPSN is on the minus strand). VCF-style: chr11-47441875-G-A. GRCh37 (hg19) VCF-style: chr11-47463427-G-A.
Other names: c.737C>T, p.Ala246Val (NM_032645.5); c.737C>T (NM_005055.4); short protein forms A246V.
Identifiers: ClinVar variation 197248 (VCV000197248.21), dbSNP rs559933584, ClinGen allele CA275256.
Genomic context (GRCh38, chr11:47,441,875, plus strand): 5'-GACCTCACCTCCAGGTCCCCACGGCTCCGGTGGATGTCAGCGAAGCAGAGCAGGCAGAGC[G>A]CCTGCAGTGGCCGGTCCCCGTGCTGCAGCGCGATCTTCATAGACTCCTGCGAGGGAGGCC-3'
Protein context (NP_005046.2, residues 236-256): ALQHGDRPLQ[Ala246Val]LCLLCFADIH

ClinVar aggregate classification (germline): Pathogenic/Likely pathogenic. Review status: criteria provided, multiple submitters, no conflicts (2 of 4 stars). 8 submissions from 8 submitters: Pathogenic (3); Likely pathogenic (5). Last evaluated 2026-01-21.

Conditions:
Fetal akinesia deformation sequence 2. Identifiers: MedGen C4760576, MONDO:0100102, OMIM 618388.
Congenital myasthenic syndrome 11. Also called: MYASTHENIC SYNDROME, CONGENITAL, Ie; Myasthenic syndrome, congenital, 11, associated with acetylcholine receptor deficiency. Identifiers: Orphanet 590, MedGen C4225367, MONDO:0014588, OMIM 616326.
RAPSN-related disorder. Also called: RAPSN-related disorders; RAPSN-related condition. Identifiers: MedGen CN239397.
Congenital myasthenic syndrome (CMS). Also called: Congenital Myasthenic Syndromes. Identifiers: Orphanet 590, MedGen C0751882, MeSH D020294, MONDO:0018940.
Fetal akinesia deformation sequence 1 (FADS1). Also called: Pena-Shokeir syndrome type I; Fetal akinesia sequence. Identifiers: Orphanet 994, MedGen C1276035, MONDO:0100101, OMIM 208150, HP:0001989.

Allele frequency attached by ClinVar (database versions not stated): gnomAD 0.00001; TOPMed 0.00001; gnomAD exomes 0.00002; 1000 Genomes Project 0.00020; 1000 Genomes Project 30x 0.00031.
gnomAD v4.1: 31 of 1,594,708 alleles (0.0019%); highest among the groups gnomAD compares: Non-Finnish European, 0.0025%; no homozygotes.

Submissions (8):

Natera, Inc.
Classification: Pathogenic for Congenital myasthenic syndrome. Last evaluated: 2026-01-21. Review status: criteria provided, single submitter. Criteria: Natera Variant Classification Schema (03/2026). Collection method: clinical testing. Allele origin: germline.
Comment: The c.737C>T variant in RAPSN is a missense variant predicted to cause substitution of alanine to valine at amino acid 246. This variant is rare in the general population with a frequency below the threshold expected for the associated phenotype(s). This variant has been observed in one or more individuals affected with the associated recessive disease, as either homozygous or compound heterozygous with a second variant (PMID: 36591657, 22678886). Computational prediction algorithms indicate this variant is likely to affect gene or protein function. Given the available evidence, this variant is classified as Pathogenic.

Labcorp Genetics (formerly Invitae), Labcorp
Classification: Pathogenic for Congenital myasthenic syndrome 11; Fetal akinesia deformation sequence 1. Last evaluated: 2025-10-06. Review status: criteria provided, single submitter. Criteria: Invitae Variant Classification Sherloc (09022015). Collection method: clinical testing. Allele origin: germline.
Comment: This sequence change replaces alanine, which is neutral and non-polar, with valine, which is neutral and non-polar, at codon 246 of the RAPSN protein (p.Ala246Val). The frequency data for this variant in the population databases is considered unreliable, as metrics indicate poor data quality at this position in the gnomAD database. This missense change has been observed in individual(s) with clinical features of congenital myasthenic syndrome (PMID: 12796535, 16770791, 31127727, 34565654). In at least one individual the data is consistent with being in trans (on the opposite chromosome) from a pathogenic variant. ClinVar contains an entry for this variant (Variation ID: 197248). Invitae Evidence Modeling of protein sequence and biophysical properties (such as structural, functional, and spatial information, amino acid conservation, physicochemical variation, residue mobility, and thermodynamic stability) indicates that this missense variant is expected to disrupt RAPSN protein function with a positive predictive value of 95%. For these reasons, this variant has been classified as Pathogenic.

Myriad Genetics, Inc.
Classification: Likely pathogenic for RAPSN-related disorder. Last evaluated: 2025-07-21. Review status: criteria provided, single submitter. Criteria: Myriad Autosomal Dominant, Autosomal Recessive and X-Linked Classification Criteria (2023). Collection method: clinical testing. Allele origin: unknown.
Comment: NM_005055.4(RAPSN):c.737C>T(A246V) is a missense variant classified as likely pathogenic in the context of RAPSN-related disorders. A246V has been observed in cases with relevant disease (PMID: 12796535, 22678886, 31127727, 27357428). Relevant functional assessments of this variant are not available in the literature. A246V has been observed in referenced population frequency databases. In summary, NM_005055.4(RAPSN):c.737C>T(A246V) is a missense variant that has been observed more frequently in cases with the relevant disease than in healthy populations. Please note: this variant was assessed in the context of healthy population screening.

GeneDx
Classification: Likely pathogenic. Last evaluated: 2025-04-16. Review status: criteria provided, single submitter. Criteria: GeneDx Variant Classification Process June 2021. Collection method: clinical testing. Allele origin: germline. Affected: yes.
Comment: Not observed at significant frequency in large population cohorts (gnomAD); In silico analysis supports that this missense variant has a deleterious effect on protein structure/function; This variant is associated with the following publications: (PMID: 31127727, 12796535, 34565654, 36591657, 22678886, 16770791)

Fulgent Genetics
Classification: Likely pathogenic for Congenital myasthenic syndrome 11; Fetal akinesia deformation sequence 2. Last evaluated: 2024-05-04. Review status: criteria provided, single submitter. Criteria: ACMG Guidelines, 2015. Collection method: clinical testing. Allele origin: germline.

Baylor Genetics
Classification: Pathogenic for Fetal akinesia deformation sequence 2. Last evaluated: 2023-09-18. Review status: criteria provided, single submitter. Criteria: ACMG Guidelines, 2015. Collection method: clinical testing. Allele origin: unknown.

Revvity Omics, Revvity
Classification: Likely pathogenic. Last evaluated: 2023-06-13. Review status: criteria provided, single submitter. Criteria: ACMG Guidelines, 2015. Collection method: clinical testing. Allele origin: germline.

Eurofins Ntd Llc (ga)
Classification: Likely pathogenic. Last evaluated: 2015-04-14. Review status: criteria provided, single submitter. Criteria: EGL Classification Definitions 2015. Collection method: clinical testing. Allele origin: germline. Observed: 2 variant alleles, 2 heterozygotes.

Literature cited by the submitters: PubMed 36591657 (cited by Natera, Inc.); PubMed 22678886 (cited by Natera, Inc. and Myriad Genetics, Inc.); PubMed 12796535 (cited by Labcorp Genetics (formerly Invitae), Labcorp and Myriad Genetics, Inc.); PubMed 16770791 (cited by Labcorp Genetics (formerly Invitae), Labcorp); PubMed 31127727 (cited by Labcorp Genetics (formerly Invitae), Labcorp and Myriad Genetics, Inc.); PubMed 34565654 (cited by Labcorp Genetics (formerly Invitae), Labcorp); PubMed 27357428 (cited by Myriad Genetics, Inc.).